The following is an entry in ClinVar:

ClinVar aggregate classification (germline): Uncertain significance (1 of 4 stars; one submission).

Conditions:
Cranioectodermal dysplasia 2 (CED2). Identifiers: Orphanet 1515, MedGen C3150874, MONDO:0013323, OMIM 613610.
Short-rib thoracic dysplasia 7 with or without polydactyly (SRTD7). Also called: Short rib polydactyly syndrome 5; SHORT-RIB THORACIC DYSPLASIA 7 WITH POLYDACTYLY. Identifiers: Orphanet 498497, Orphanet 93271, MedGen C3279792, MONDO:0013569, OMIM 614091.

Allele frequency attached by ClinVar (database versions not stated): gnomAD exomes 0.00002.
gnomAD v4.1: 30 of 1,613,944 alleles (0.0019%); highest among the groups gnomAD compares: South Asian, 0.0033%; 1 homozygote.

Submission:

Labcorp Genetics (formerly Invitae), Labcorp
Classification: Uncertain significance for Cranioectodermal dysplasia 2; Short-rib thoracic dysplasia 7 with or without polydactyly. Last evaluated: 2024-09-16. Review status: criteria provided, single submitter. Criteria: Invitae Variant Classification Sherloc (09022015). Collection method: clinical testing. Allele origin: germline.
Comment: This sequence change replaces arginine, which is basic and polar, with glutamine, which is neutral and polar, at codon 774 of the WDR35 protein (p.Arg774Gln). This variant is not present in population databases (gnomAD no frequency). This variant has not been reported in the literature in individuals affected with WDR35-related conditions. ClinVar contains an entry for this variant (Variation ID: 1522879). Invitae Evidence Modeling of protein sequence and biophysical properties (such as structural, functional, and spatial information, amino acid conservation, physicochemical variation, residue mobility, and thermodynamic stability) indicates that this missense variant is expected to disrupt WDR35 protein function with a positive predictive value of 80%. In summary, the available evidence is currently insufficient to determine the role of this variant in disease. Therefore, it has been classified as a Variant of Uncertain Significance.

NM_020779.4(WDR35):c.2288G>A (p.Arg763Gln)

Gene: WDR35 (WD repeat domain 35; minus strand). Cytogenetic location: 2p24.1.
Variant type: single nucleotide variant.
Coding change: c.2288G>A on transcript NM_020779.4 (MANE Select); coding-DNA position 2288, G replaced by A.
Protein change: p.Arg763Gln; replaces arginine 763 with glutamine.
Molecular consequence: missense variant.
Genome position (GRCh38, 1-based): chr2:19,936,345, C>T on the plus strand (G>A on the coding strand, the complement: WDR35 is on the minus strand). VCF-style: chr2-19936345-C-T. GRCh37 (hg19) VCF-style: chr2-20136106-C-T.
Other names: c.2321G>A, p.Arg774Gln (NM_001006657.2); short protein forms R763Q, R774Q.
Identifiers: ClinVar variation 1522879 (VCV001522879.6), dbSNP rs1670696748, ClinGen allele CA345943411.